The following is an entry in ClinVar:

ClinVar aggregate classification (germline): Uncertain significance (1 of 4 stars; one submission).

Conditions:
Epidermolysis bullosa simplex 5B, with muscular dystrophy (EBS5B). Also called: Epidermolysis bullosa simplex with muscular dystrophy; EPIDERMOLYSIS BULLOSA SIMPLEX AND LIMB-GIRDLE MUSCULAR DYSTROPHY. Identifiers: Orphanet 257, MedGen C2931072, MONDO:0009181, OMIM 226670.
Epidermolysis bullosa simplex, Ogna type (EBS5A). Also called: Pidermolysis bullosa simplex 5A, Ogna type; EPIDERMOLYSIS BULLOSA SIMPLEX 5A, OGNA TYPE. Identifiers: Orphanet 79401, MedGen C0432317, MONDO:0007555, OMIM 131950.
Autosomal recessive limb-girdle muscular dystrophy type 2Q (LGMDR17). Also called: MUSCULAR DYSTROPHY, LIMB-GIRDLE, AUTOSOMAL RECESSIVE 17. Identifiers: Orphanet 254361, MedGen C3150989, MONDO:0013390, OMIM 613723.
Epidermolysis bullosa simplex with nail dystrophy (EBS5D). Identifiers: MedGen C4225309, MONDO:0014661, OMIM 616487.
Epidermolysis bullosa simplex 5C, with pyloric atresia (EBS5C). Also called: Epidermolysis bullosa simplex with pyloric atresia; PLEC-Related Epidermolysis Bullosa with Pyloric Atresia; PLEC1-Related Epidermolysis Bullosa with Pyloric Atresia. Identifiers: Orphanet 158684, MedGen C2677349, MONDO:0012807, OMIM 612138.

Allele frequency attached by ClinVar (database versions not stated): gnomAD exomes below 0.00001.
gnomAD v4.1: 2 of 1,582,326 alleles (0.00013%); highest among the groups gnomAD compares: Non-Finnish European, 0.00017%; no homozygotes.

Submission:

Labcorp Genetics (formerly Invitae), Labcorp
Classification: Uncertain significance for Autosomal recessive limb-girdle muscular dystrophy type 2Q; Epidermolysis bullosa simplex, Ogna type; Epidermolysis bullosa simplex with nail dystrophy; Epidermolysis bullosa simplex 5C, with pyloric atresia; Epidermolysis bullosa simplex 5B, with muscular dystrophy. Last evaluated: 2025-09-02. Review status: criteria provided, single submitter. Criteria: Invitae Variant Classification Sherloc (09022015). Collection method: clinical testing. Allele origin: germline.
Comment: This sequence change replaces glutamine, which is neutral and polar, with arginine, which is basic and polar, at codon 2392 of the PLEC protein (p.Gln2392Arg). This variant is not present in population databases (gnomAD no frequency). This variant has not been reported in the literature in individuals affected with PLEC-related conditions. ClinVar contains an entry for this variant (Variation ID: 962104). An algorithm developed to predict the effect of missense changes on protein structure and function (PolyPhen-2) suggests that this variant is likely to be disruptive. In summary, the available evidence is currently insufficient to determine the role of this variant in disease. Therefore, it has been classified as a Variant of Uncertain Significance.

NM_201384.3(PLEC):c.7094A>G (p.Gln2365Arg)

Gene: PLEC (plectin; minus strand). Cytogenetic location: 8q24.3.
Variant type: single nucleotide variant.
Coding change: c.7094A>G on transcript NM_201384.3 (MANE Select); coding-DNA position 7094, A replaced by G.
Protein change: p.Gln2365Arg; replaces glutamine 2365 with arginine.
Molecular consequence: missense variant.
Genome position (GRCh38, 1-based): chr8:143,922,835, T>C on the plus strand (A>G on the coding strand, the complement: PLEC is on the minus strand). VCF-style: chr8-143922835-T-C. GRCh37 (hg19) VCF-style: chr8-144997003-T-C.
Other names: c.7175A>G, p.Gln2392Arg (NM_000445.5); c.7052A>G, p.Gln2351Arg (NM_201378.4); c.7028A>G, p.Gln2343Arg (NM_201379.3); c.7505A>G, p.Gln2502Arg (NM_201380.4); c.6998A>G, p.Gln2333Arg (NM_201381.3); c.7094A>G, p.Gln2365Arg (NM_201382.4); c.7106A>G, p.Gln2369Arg (NM_201383.3); short protein forms Q2333R, Q2351R, Q2369R, Q2343R, Q2365R, Q2392R, Q2502R.
Identifiers: ClinVar variation 962104 (VCV000962104.7), dbSNP rs1823346635, ClinGen allele CA372529908.